The following is an entry in ClinVar:

NM_053025.4(MYLK):c.1259C>T (p.Pro420Leu)

Gene: MYLK (myosin light chain kinase; minus strand). Cytogenetic location: 3q21.1.
Variant type: single nucleotide variant.
Coding change: c.1259C>T on transcript NM_053025.4 (MANE Select); coding-DNA position 1259, C replaced by T.
Protein change: p.Pro420Leu; replaces proline 420 with leucine.
Molecular consequence: missense variant.
Genome position (GRCh38, 1-based): chr3:123,733,737, G>A on the plus strand (C>T on the coding strand, the complement: MYLK is on the minus strand). VCF-style: chr3-123733737-G-A. GRCh37 (hg19) VCF-style: chr3-123452584-G-A.
Other names: c.731C>T, p.Pro244Leu (NM_001321309.2); c.1259C>T, p.Pro420Leu (NM_053026.4, NM_053027.4, NM_053028.4); c.1259C>T (NM_053025.3); short protein forms P244L, P420L.
Identifiers: ClinVar variation 2153536 (VCV002153536.5), dbSNP rs1576779375, ClinGen allele CA354238898.
Genomic context (GRCh38, chr3:123,733,737, plus strand): 5'-CTCTACTCACCTTCACATCTGAACTTGACAGTTTGATTTTCCTTGACCTCCTGGCTTTGG[G>A]GCTTGCTCTCAAATTTGGGGAATGCTGAATCCCTCTGGCCCTCCATGGGGATTCTCCTGT-3'
Protein context (NP_444253.3, residues 410-430): DSAFPKFESK[Pro420Leu]QSQEVKENQT

ClinVar aggregate classification (germline): Uncertain significance. Review status: criteria provided, multiple submitters, no conflicts (2 of 4 stars). 2 submissions from 2 submitters: Uncertain significance (2). Last evaluated 2023-02-14.

Conditions:
Aortic aneurysm, familial thoracic 7 (AAT7). Also called: AORTIC DISSECTION, FAMILIAL, WITH OR WITHOUT AORTIC ANEURYSM. Identifiers: MedGen C3151077, MONDO:0013418, OMIM 613780.

Submissions (2):

GeneDx
Classification: Uncertain significance. Last evaluated: 2023-02-14. Review status: criteria provided, single submitter. Criteria: GeneDx Variant Classification Process June 2021. Collection method: clinical testing. Allele origin: germline. Affected: yes.
Comment: Not observed at significant frequency in large population cohorts (gnomAD); In silico analysis supports that this missense variant has a deleterious effect on protein structure/function; Has not been previously published as pathogenic or benign to our knowledge

Labcorp Genetics (formerly Invitae), Labcorp
Classification: Uncertain significance for Aortic aneurysm, familial thoracic 7. Last evaluated: 2022-06-30. Review status: criteria provided, single submitter. Criteria: Invitae Variant Classification Sherloc (09022015). Collection method: clinical testing. Allele origin: germline.
Comment: In summary, the available evidence is currently insufficient to determine the role of this variant in disease. Therefore, it has been classified as a Variant of Uncertain Significance. Advanced modeling of protein sequence and biophysical properties (such as structural, functional, and spatial information, amino acid conservation, physicochemical variation, residue mobility, and thermodynamic stability) performed at Invitae indicates that this missense variant is not expected to disrupt MYLK protein function. This variant has not been reported in the literature in individuals affected with MYLK-related conditions. This variant is not present in population databases (gnomAD no frequency). This sequence change replaces proline, which is neutral and non-polar, with leucine, which is neutral and non-polar, at codon 420 of the MYLK protein (p.Pro420Leu).